The following is an entry in ClinVar:

NM_001330260.2(SCN8A):c.1445A>G (p.Lys482Arg)

Gene: SCN8A (sodium voltage-gated channel alpha subunit 8; plus strand). Cytogenetic location: 12q13.13.
Variant type: single nucleotide variant.
Coding change: c.1445A>G on transcript NM_001330260.2 (MANE Select); coding-DNA position 1445, A replaced by G.
Protein change: p.Lys482Arg; replaces lysine 482 with arginine.
Molecular consequence: missense variant.
Genome position (GRCh38, 1-based): chr12:51,706,525, A>G. VCF-style: chr12-51706525-A-G. GRCh37 (hg19) VCF-style: chr12-52100309-A-G.
Other names: c.1445A>G, p.Lys482Arg (NM_001177984.3, NM_001369788.1, NM_014191.4); short protein forms K482R.
Identifiers: ClinVar variation 381058 (VCV000381058.12), dbSNP rs769520392, ClinGen allele CA6571262.

ClinVar aggregate classification (germline): Uncertain significance. Review status: criteria provided, multiple submitters, no conflicts (2 of 4 stars). 2 submissions from 2 submitters: Uncertain significance (2). Last evaluated 2024-04-28.

Conditions:
Early-infantile DEE. Also called: Ohtahara syndrome; Early infantile epileptic encephalopathy with suppression bursts; Early infantile epileptic encephalopathy. Identifiers: Orphanet 1934, MedGen C0393706, MONDO:0800491.

Allele frequency attached by ClinVar (database versions not stated): ExAC 0.00001; gnomAD 0.00001.
gnomAD v4.1: 14 of 1,605,618 alleles (0.00087%); highest among the groups gnomAD compares: Non-Finnish European, 0.0012%; no homozygotes.

Submissions (2):

GeneDx
Classification: Uncertain significance. Last evaluated: 2024-04-28. Review status: criteria provided, single submitter. Criteria: GeneDx Variant Classification Process June 2021. Collection method: clinical testing. Allele origin: germline. Affected: yes.
Comment: In silico analysis indicates that this missense variant does not alter protein structure/function; This substitution is predicted to be in the cytoplasmic loop between the first and second homologous domains; Has not been previously published as pathogenic or benign to our knowledge

Labcorp Genetics (formerly Invitae), Labcorp
Classification: Uncertain significance for Early-infantile DEE. Last evaluated: 2023-11-24. Review status: criteria provided, single submitter. Criteria: Invitae Variant Classification Sherloc (09022015). Collection method: clinical testing. Allele origin: germline.
Comment: This sequence change replaces lysine, which is basic and polar, with arginine, which is basic and polar, at codon 482 of the SCN8A protein (p.Lys482Arg). This variant is present in population databases (rs769520392, gnomAD 0.007%). This variant has not been reported in the literature in individuals affected with SCN8A-related conditions. ClinVar contains an entry for this variant (Variation ID: 381058). Advanced modeling of protein sequence and biophysical properties (such as structural, functional, and spatial information, amino acid conservation, physicochemical variation, residue mobility, and thermodynamic stability) performed at Invitae indicates that this missense variant is not expected to disrupt SCN8A protein function with a negative predictive value of 95%. In summary, the available evidence is currently insufficient to determine the role of this variant in disease. Therefore, it has been classified as a Variant of Uncertain Significance.